The following is an entry in ClinVar:

ClinVar aggregate classification (germline): Uncertain significance (1 of 4 stars; one submission).

Submission:

Labcorp Genetics (formerly Invitae), Labcorp
Classification: Uncertain significance. Last evaluated: 2023-06-28. Review status: criteria provided, single submitter. Criteria: Invitae Variant Classification Sherloc (09022015). Collection method: clinical testing. Allele origin: germline.
Comment: In summary, the available evidence is currently insufficient to determine the role of this variant in disease. Therefore, it has been classified as a Variant of Uncertain Significance. Advanced modeling of protein sequence and biophysical properties (such as structural, functional, and spatial information, amino acid conservation, physicochemical variation, residue mobility, and thermodynamic stability) performed at Invitae indicates that this missense variant is not expected to disrupt MTHFD1 protein function. This variant has not been reported in the literature in individuals affected with MTHFD1-related conditions. This variant is not present in population databases (gnomAD no frequency). This sequence change replaces serine, which is neutral and polar, with threonine, which is neutral and polar, at codon 771 of the MTHFD1 protein (p.Ser771Thr).

NM_005956.4(MTHFD1):c.2312G>C (p.Ser771Thr)

Genes: MTHFD1 (methylenetetrahydrofolate dehydrogenase, cyclohydrolase and formyltetrahydrofolate synthetase 1; plus strand), ZBTB25 (zinc finger and BTB domain containing 25; minus strand). Cytogenetic location: 14q23.3.
Variant type: single nucleotide variant.
Coding change: c.2312G>C on transcript NM_005956.4 (MANE Select); coding-DNA position 2312, G replaced by C.
Protein change: p.Ser771Thr; replaces serine 771 with threonine.
Molecular consequence: missense variant. On other transcripts: 3 prime UTR variant (1).
Genome position (GRCh38, 1-based): chr14:64,449,477, G>C. VCF-style: chr14-64449477-G-C. GRCh37 (hg19) VCF-style: chr14-64916195-G-C.
Other names: c.2312G>C, p.Ser771Thr (NM_001364837.1); c.*74C>G (NM_001304508.1); short protein forms S771T.
Identifiers: ClinVar variation 2731322 (VCV002731322.3), dbSNP rs766552980, ClinGen allele CA390002448.